The following is an entry in ClinVar:

NM_020937.4(FANCM):c.893C>T (p.Ala298Val)

Gene: FANCM (FA complementation group M; plus strand). Cytogenetic location: 14q21.2.
Variant type: single nucleotide variant.
Coding change: c.893C>T on transcript NM_020937.4 (MANE Select); coding-DNA position 893, C replaced by T.
Protein change: p.Ala298Val; replaces alanine 298 with valine.
Molecular consequence: missense variant.
Genome position (GRCh38, 1-based): chr14:45,148,970, C>T. VCF-style: chr14-45148970-C-T. GRCh37 (hg19) VCF-style: chr14-45618173-C-T.
Other names: c.815C>T, p.Ala272Val (NM_001308133.2); c.893C>T, p.Ala298Val (NM_001308134.2); short protein forms A272V, A298V.
Identifiers: ClinVar variation 1370966 (VCV001370966.8), dbSNP rs1316547284, ClinGen allele CA389590208.

ClinVar aggregate classification (germline): Uncertain significance (1 of 4 stars; one submission).

Conditions:
Fanconi anemia (FA). Also called: Fanconi's anemia. Identifiers: Orphanet 84, MedGen C0015625, MeSH D005199, MONDO:0019391.

gnomAD v4.1: 1 of 1,613,674 alleles (0.000062%); highest among the groups gnomAD compares: Non-Finnish European, 0.000085%; no homozygotes.

Submission:

Labcorp Genetics (formerly Invitae), Labcorp
Classification: Uncertain significance for Fanconi anemia. Last evaluated: 2021-04-16. Review status: criteria provided, single submitter. Criteria: Invitae Variant Classification Sherloc (09022015). Collection method: clinical testing. Allele origin: germline.
Comment: This sequence change replaces alanine with valine at codon 298 of the FANCM protein (p.Ala298Val). The alanine residue is weakly conserved and there is a small physicochemical difference between alanine and valine. This variant is not present in population databases (ExAC no frequency). This variant has not been reported in the literature in individuals with FANCM-related conditions. Algorithms developed to predict the effect of missense changes on protein structure and function output the following: SIFT: "Tolerated"; PolyPhen-2: "Benign"; Align-GVGD: "Class C0". The valine amino acid residue is found in multiple mammalian species, suggesting that this missense change does not adversely affect protein function. These predictions have not been confirmed by published functional studies and their clinical significance is uncertain. In summary, the available evidence is currently insufficient to determine the role of this variant in disease. Therefore, it has been classified as a Variant of Uncertain Significance.